The following is an entry in ClinVar:

ClinVar aggregate classification (germline): Likely benign. Review status: criteria provided, multiple submitters, no conflicts (2 of 4 stars). 2 submissions from 2 submitters: Likely benign (2). Last evaluated 2024-07-20.

Conditions:
Hypertrophic cardiomyopathy. Also called: HYPERTROPHIC MYOCARDIOPATHY. Identifiers: Orphanet 217569, MedGen C0007194, MeSH D002312, MONDO:0005045, HP:0001639.

gnomAD v4.1: 1 of 1,553,232 alleles (0.000064%); highest among the groups gnomAD compares: Non-Finnish European, 0.000086%; no homozygotes.

Submissions (2):

All of Us Research Program, National Institutes of Health
Classification: Likely benign for Hypertrophic cardiomyopathy. Last evaluated: 2024-07-20. Review status: criteria provided, single submitter. Criteria: ACMG Guidelines, 2015. Collection method: clinical testing. Allele origin: germline. Inheritance: Autosomal dominant inheritance. Observed: 1 variant allele, 1 heterozygote.
Comment: This study involves interpretation of variants in research participants for the purpose of population health screening. Participant phenotype was not available at the time of variant classification. Additional details can be found in publication PMID: 35346344, PMCID: PMC8962531

Blueprint Genetics
Classification: Likely benign. Last evaluated: 2024-02-05. Review status: criteria provided, single submitter. Criteria: ACMG Guidelines, 2015. Collection method: clinical testing. Allele origin: germline.

NM_000256.3(MYBPC3):c.360C>T (p.Ala120=)

Gene: MYBPC3 (myosin binding protein C3; minus strand). Cytogenetic location: 11p11.2.
Variant type: single nucleotide variant.
Coding change: c.360C>T on transcript NM_000256.3 (MANE Select); coding-DNA position 360, C replaced by T.
Protein change: p.Ala120=; no amino-acid change (alanine 120 retained).
Molecular consequence: synonymous variant.
Genome position (GRCh38, 1-based): chr11:47,350,548, G>A on the plus strand (C>T on the coding strand, the complement: MYBPC3 is on the minus strand). VCF-style: chr11-47350548-G-A. GRCh37 (hg19) VCF-style: chr11-47372099-G-A.
Identifiers: ClinVar variation 3387150 (VCV003387150.2).